The following is an entry in ClinVar:

NM_001110556.2(FLNA):c.6464A>G (p.Asn2155Ser)

Gene: FLNA (filamin A; minus strand). Cytogenetic location: Xq28.
Variant type: single nucleotide variant.
Coding change: c.6464A>G on transcript NM_001110556.2 (MANE Select); coding-DNA position 6464, A replaced by G.
Protein change: p.Asn2155Ser; replaces asparagine 2155 with serine.
Molecular consequence: missense variant.
Genome position (GRCh38, 1-based): chrX:154,352,591, T>C on the plus strand (A>G on the coding strand, the complement: FLNA is on the minus strand). VCF-style: chrX-154352591-T-C. GRCh37 (hg19) VCF-style: chrX-153580959-T-C.
Other names: c.6440A>G, p.Asn2147Ser (NM_001456.4); c.6440A>G (NM_001456.3); short protein forms N2147S, N2155S.
Identifiers: ClinVar variation 3758190 (VCV003758190.3).
Genomic context (GRCh38, chrX:154,352,591, plus strand): 5'-CCAGGCTTCCCACAGCCCCTACCAGGGATTTTCAGGCTGAGGTCACAATGACTACCAACG[T>C]TGGCCACTGAAGGAGCCCGACGCCTGCGGGTGATGCTCTCTTTCACCCGGCCCTCGCCTG-3'
Protein context (NP_001104026.1, residues 2145-2165): TRRRRAPSVA[Asn2155Ser]VGSHCDLSLK

ClinVar aggregate classification (germline): Uncertain significance. Review status: criteria provided, multiple submitters, no conflicts (2 of 4 stars). 2 submissions from 2 submitters: Uncertain significance (2). Last evaluated 2026-01-21.

Conditions:
Familial thoracic aortic aneurysm and aortic dissection (TAAD). Also called: Thoracic aortic aneurysms and dissections. Identifiers: Orphanet 91387, MedGen C4707243, MONDO:0019625.
Melnick-Needles syndrome (MNS). Also called: MELNICK-NEEDLES OSTEODYSPLASTY; OSTEODYSPLASTY OF MELNICK AND NEEDLES; Melnick-Needles Syndrome (FLNA-MNS). Identifiers: Orphanet 2484, MedGen C0025237, MONDO:0010650, OMIM 309350.
Frontometaphyseal dysplasia (FMD1). Identifiers: Orphanet 1826, MedGen C0265293, MONDO:0015942.
Heterotopia, periventricular, X-linked dominant (PVNH1). Also called: PERIVENTRICULAR NODULAR HETEROTOPIA 1; X-linked periventricular heterotopia; PERIVENTRICULAR NODULAR HETEROTOPIA 4; HETEROTOPIA, PERIVENTRICULAR, 1. Identifiers: Orphanet 2149, Orphanet 82004, MedGen C1848213, MONDO:0010233, OMIM 300049.
Oto-palato-digital syndrome, type II (OPD2). Also called: FACIOPALATOOSSEOUS SYNDROME; OPD II SYNDROME; Otopalatodigital Syndrome, Type II; Otopalatodigital Syndrome Type 2 (FLNA-OPD2). Identifiers: Orphanet 669, Orphanet 90652, MedGen C1844696, MONDO:0010571, OMIM 304120.

gnomAD v4.1: 5 of 1,211,607 alleles (0.00041%); highest among the groups gnomAD compares: Non-Finnish European, 0.00045%; no homozygotes.

Submissions (2):

Ambry Genetics
Classification: Uncertain significance for Familial thoracic aortic aneurysm and aortic dissection. Last evaluated: 2026-01-21. Review status: criteria provided, single submitter. Criteria: Ambry Variant Classification Scheme 2023. Collection method: clinical testing. Allele origin: germline.
Comment: The p.N2147S variant (also known as c.6440A>G), located in coding exon 38 of the FLNA gene, results from an A to G substitution at nucleotide position 6440. The asparagine at codon 2147 is replaced by serine, an amino acid with highly similar properties. This amino acid position is conserved. In addition, this alteration is predicted to be tolerated by in silico analysis. Based on the available evidence, the clinical significance of this variant remains unclear.

Labcorp Genetics (formerly Invitae), Labcorp
Classification: Uncertain significance for Oto-palato-digital syndrome, type II; Heterotopia, periventricular, X-linked dominant; Frontometaphyseal dysplasia; Melnick-Needles syndrome. Last evaluated: 2024-03-28. Review status: criteria provided, single submitter. Criteria: Invitae Variant Classification Sherloc (09022015). Collection method: clinical testing. Allele origin: germline.
Comment: This sequence change replaces asparagine, which is neutral and polar, with serine, which is neutral and polar, at codon 2147 of the FLNA protein (p.Asn2147Ser). This variant is not present in population databases (gnomAD no frequency). This variant has not been reported in the literature in individuals affected with FLNA-related conditions. Advanced modeling of protein sequence and biophysical properties (such as structural, functional, and spatial information, amino acid conservation, physicochemical variation, residue mobility, and thermodynamic stability) performed at Invitae indicates that this missense variant is not expected to disrupt FLNA protein function with a negative predictive value of 95%. In summary, the available evidence is currently insufficient to determine the role of this variant in disease. Therefore, it has been classified as a Variant of Uncertain Significance.